The following is an entry in ClinVar:

ClinVar aggregate classification (germline): Likely benign (0 of 4 stars; one submission).

Conditions:
PLXNA4-related disorder. Also called: PLXNA4-related condition.

gnomAD v4.1: 2 of 1,614,132 alleles (0.00012%); highest among the groups gnomAD compares: Non-Finnish European, 0.000085%; no homozygotes.

Submission:

PreventionGenetics, part of Exact Sciences
Classification: Likely benign for PLXNA4-related condition. Last evaluated: 2024-08-28. Review status: no assertion criteria provided. Collection method: clinical testing. Allele origin: germline.
Comment: This variant is classified as likely benign based on ACMG/AMP sequence variant interpretation guidelines (Richards et al. 2015 PMID: 25741868, with internal and published modifications).

NM_020911.2(PLXNA4):c.4482G>A (p.Gln1494=)

Gene: PLXNA4 (plexin A4; minus strand). Cytogenetic location: 7q32.3.
Variant type: single nucleotide variant.
Coding change: c.4482G>A on transcript NM_020911.2 (MANE Select); coding-DNA position 4482, G replaced by A.
Protein change: p.Gln1494=; no amino-acid change (glutamine 1494 retained).
Molecular consequence: synonymous variant.
Genome position (GRCh38, 1-based): chr7:132,164,160, C>T on the plus strand (G>A on the coding strand, the complement: PLXNA4 is on the minus strand). VCF-style: chr7-132164160-C-T. GRCh37 (hg19) VCF-style: chr7-131848919-C-T.
Other names: c.4482G>A, p.Gln1494= (NM_001393897.1).
Identifiers: ClinVar variation 3347389 (VCV003347389.1).